The following is an entry in ClinVar:

ClinVar aggregate classification (germline): Likely benign (1 of 4 stars; one submission).

gnomAD v4.1: 394 of 1,547,450 alleles (0.025%); highest among the groups gnomAD compares: Non-Finnish European, 0.033%; no homozygotes.

Submission:

CeGaT Center for Human Genetics Tuebingen
Classification: Likely benign. Last evaluated: 2024-10-01. Review status: criteria provided, single submitter. Criteria: CeGaT Center For Human Genetics Tuebingen Variant Classification Criteria Version 2. Collection method: clinical testing. Allele origin: germline. Affected: yes. Observed: 2 variant alleles.
Comment: ALKBH8: BP4, BP7

NM_138775.3(ALKBH8):c.708C>T (p.Pro236=)

Gene: ALKBH8 (alkB homolog 8, tRNA methyltransferase; minus strand). Cytogenetic location: 11q22.3.
Variant type: single nucleotide variant.
Coding change: c.708C>T on transcript NM_138775.3 (MANE Select); coding-DNA position 708, C replaced by T.
Protein change: p.Pro236=; no amino-acid change (proline 236 retained).
Molecular consequence: synonymous variant.
Genome position (GRCh38, 1-based): chr11:107,549,816, G>A on the plus strand (C>T on the coding strand, the complement: ALKBH8 is on the minus strand). VCF-style: chr11-107549816-G-A. GRCh37 (hg19) VCF-style: chr11-107420542-G-A.
Other names: c.708C>T, p.Pro236= (NM_001378133.1, NM_001301010.3).
Identifiers: ClinVar variation 3388519 (VCV003388519.14).